The following is an entry in ClinVar:

NM_003504.5(CDC45):c.568C>T (p.Gln190Ter)

Gene: CDC45 (cell division cycle 45; plus strand). Cytogenetic location: 22q11.21.
Variant type: single nucleotide variant.
Coding change: c.568C>T on transcript NM_003504.5 (MANE Select); coding-DNA position 568, C replaced by T.
Protein change: p.Gln190Ter; replaces glutamine 190 with a stop codon.
Molecular consequence: nonsense. On other transcripts: non-coding transcript variant (1).
Genome position (GRCh38, 1-based): chr22:19,496,006, C>T. VCF-style: chr22-19496006-C-T. GRCh37 (hg19) VCF-style: chr22-19483529-C-T.
Other names: c.664C>T, p.Gln222Ter (NM_001178010.2); c.430C>T, p.Gln144Ter (NM_001178011.2); c.532C>T, p.Gln178Ter (NM_001369291.1); short protein forms Q190*, Q222*, Q144*, Q178*.
Identifiers: ClinVar variation 5006441 (VCV005006441.2).

ClinVar aggregate classification (germline): Likely pathogenic (1 of 4 stars; one submission).

Conditions:
Meier-Gorlin syndrome 7. Identifiers: Orphanet 2554, MedGen C4310738, MONDO:0014894, OMIM 617063. Disease mechanism: loss of function.

Submission:

Juno Genomics, Hangzhou Juno Genomics, Inc
Classification: Likely pathogenic for Meier-Gorlin syndrome 7. Review status: criteria provided, single submitter. Criteria: ACMG Guidelines, 2015. Collection method: clinical testing. Allele origin: germline.
Comment: Null variant in a gene where loss of function (LOF) is a known mechanism of disease.;Absent from controls (or at extremely low frequency if recessive) in Genome Aggregation Database.